The following is an entry in ClinVar:

ClinVar aggregate classification (germline): Uncertain significance (1 of 4 stars; one submission).

gnomAD v4.1: 2 of 1,585,292 alleles (0.00013%); highest among the groups gnomAD compares: Non-Finnish European, 0.00017%; no homozygotes.

Submission:

Dasa
Classification: Uncertain significance. Last evaluated: 2026-05-06. Review status: criteria provided, single submitter. Criteria: DASA Assertion Criteria. Collection method: clinical testing. Allele origin: germline.
Comment: NM_014991.6(WDFY3):c.5561C>T (p.Pro1854Leu) is a missense variant that results in the substitution of proline with leucine. This variant is rare in population databases. Computational prediction algorithms are consistent with a deleterious effect. The currently available literature and clinical evidence are not sufficient to establish a definitive association between this variant and the reported condition. Therefore, this variant is classified as a variant of uncertain significance.

NM_014991.6(WDFY3):c.5561C>T (p.Pro1854Leu)

Gene: WDFY3 (WD repeat and FYVE domain containing 3; minus strand). Cytogenetic location: 4q21.23.
Variant type: single nucleotide variant.
Coding change: c.5561C>T on transcript NM_014991.6 (MANE Select); coding-DNA position 5561, C replaced by T.
Protein change: p.Pro1854Leu; replaces proline 1854 with leucine.
Molecular consequence: missense variant.
Genome position (GRCh38, 1-based): chr4:84,753,875, G>A on the plus strand (C>T on the coding strand, the complement: WDFY3 is on the minus strand). VCF-style: chr4-84753875-G-A. GRCh37 (hg19) VCF-style: chr4-85675028-G-A.
Other names: short protein forms P1854L.
Identifiers: ClinVar variation 5020617 (VCV005020617.1).